The following is an entry in ClinVar:

NM_000520.6(HEXA):c.1454G>A (p.Trp485Ter)

Gene: HEXA (hexosaminidase subunit alpha; minus strand). Cytogenetic location: 15q23.
Variant type: single nucleotide variant.
Coding change: c.1454G>A on transcript NM_000520.6 (MANE Select); coding-DNA position 1454, G replaced by A.
Protein change: p.Trp485Ter; replaces tryptophan 485 with a stop codon.
Molecular consequence: nonsense. On other transcripts: non-coding transcript variant (1).
Genome position (GRCh38, 1-based): chr15:72,345,518, C>T on the plus strand (G>A on the coding strand, the complement: HEXA is on the minus strand). VCF-style: chr15-72345518-C-T. GRCh37 (hg19) VCF-style: chr15-72637859-C-T.
Other names: c.1487G>A, p.Trp496Ter (NM_001318825.2); short protein forms W485*, W496*.
Identifiers: ClinVar variation 375365 (VCV000375365.14), dbSNP rs1057519468, ClinGen allele CA16044196.
Genomic context (GRCh38, chr15:72,345,518, plus strand): 5'-CAGCGGAAGTGTGACAAACGTTCATAGGCAAATGTCAGGTCAGATGTCAACTTGTTGCTC[C>T]ACAGCCTTTCGGCAACAGCCCCTGCTCTGGGCCTGGAGGAAAAGGGGCATGTGCCAGATT-3'

ClinVar aggregate classification (germline): Pathogenic/Likely pathogenic. Review status: criteria provided, multiple submitters, no conflicts (2 of 4 stars). 4 submissions from 4 submitters: Pathogenic (1); Likely pathogenic (1). 2 of the submissions do not count toward it. Last evaluated 2026-03-07.

Conditions:
Tay-Sachs disease (TSD). Also called: HEXA DEFICIENCY; GM2 gangliosidosis, type 1; Hexosaminidase alpha-subunit deficiency (variant B); Sphingolipidosis, Tay-Sachs; Hexosaminidase A Deficiency; HEXA Disorders. Identifiers: Orphanet 845, MedGen C0039373, MONDO:0010100, OMIM 272800.

Allele frequency attached by ClinVar (database versions not stated): gnomAD exomes below 0.00001.
gnomAD v4.1: 1 of 1,614,258 alleles (0.000062%); highest among the groups gnomAD compares: South Asian, 0.0011%; no homozygotes.

Submissions (4):

Kasturba Medical College, Manipal, Kasturba Medical College, Manipal, Manipal Academy of Higher Education, Manipal, India
Classification: Likely pathogenic for Tay-Sachs disease. Last evaluated: 2026-03-07. Review status: criteria provided, single submitter. Criteria: ACMG Guidelines, 2015. Collection method: research. Allele origin: unknown. Inheritance: Autosomal recessive inheritance. Affected: yes.
Comment: This variant is present in one individual in heterozygous state and absent in homozygous state in the population database gnomAD (v.4.1.0). This variant is absent in homozygous and/or heterozygous state in our in-house database of 4037 exomes. This variant is predicted to introduce a premature termination codon which may either trigger nonsense-mediated mRNA decay or result in a truncated protein product.

Labcorp Genetics (formerly Invitae), Labcorp
Classification: Pathogenic for Tay-Sachs disease. Last evaluated: 2018-02-24. Review status: criteria provided, single submitter. Criteria: Invitae Variant Classification Sherloc (09022015). Collection method: clinical testing. Allele origin: germline.
Comment: This sequence change creates a premature translational stop signal (p.Trp485*) in the HEXA gene. It is expected to result in an absent or disrupted protein product. This variant is not present in population databases (ExAC no frequency). This variant has been reported in individuals affected with Tay-Sachs disease (PMID: 23852624). ClinVar contains an entry for this variant (Variation ID: 375365). Loss-of-function variants in HEXA are known to be pathogenic (PMID: 1833974, 8490625). For these reasons, this variant has been classified as Pathogenic.

Natera, Inc.
Classification: Pathogenic for Tay-Sachs disease. Last evaluated: 2017-08-17. Review status: no assertion criteria provided. Collection method: clinical testing. Allele origin: germline. Not counted in ClinVar's aggregate classification.

Foundation for Research in Genetics and Endocrinology, FRIGE's Institute of Human Genetics
Classification: Pathogenic for Tay-Sachs disease. Last evaluated: 2012-03-24. Review status: no assertion criteria provided. Collection method: research. Allele origin: germline. Inheritance: Autosomal recessive inheritance. Affected: yes. Observed: 1 homozygote. Not counted in ClinVar's aggregate classification.

Literature cited by the submitters: PMC PMC3897787 (cited by Kasturba Medical College, Manipal, Kasturba Medical College, Manipal, Manipal Academy of Higher Education, Manipal, India); PubMed 23852624 (cited by Labcorp Genetics (formerly Invitae), Labcorp and Foundation for Research in Genetics and Endocrinology, FRIGE's Institute of Human Genetics); PubMed 1833974 (cited by Labcorp Genetics (formerly Invitae), Labcorp); PubMed 8490625 (cited by Labcorp Genetics (formerly Invitae), Labcorp).